The following is an entry in ClinVar:

NM_001040142.2(SCN2A):c.4216G>T (p.Asp1406Tyr)

Gene: SCN2A (sodium voltage-gated channel alpha subunit 2; plus strand). Cytogenetic location: 2q24.3.
Variant type: single nucleotide variant.
Coding change: c.4216G>T on transcript NM_001040142.2 (MANE Select); coding-DNA position 4216, G replaced by T.
Protein change: p.Asp1406Tyr; replaces aspartic acid 1406 with tyrosine.
Molecular consequence: missense variant.
Genome position (GRCh38, 1-based): chr2:165,374,928, G>T. VCF-style: chr2-165374928-G-T. GRCh37 (hg19) VCF-style: chr2-166231438-G-T.
Other names: c.4216G>T, p.Asp1406Tyr (NM_001040143.2, NM_001371246.1, NM_001371247.1 and 1 more transcripts); short protein forms D1406Y.
Identifiers: ClinVar variation 3382570 (VCV003382570.2).
Genomic context (GRCh38, chr2:165,374,928, plus strand): 5'-TGCAAAGCTCTCATTGAGAGCAATCAAACTGCCAGGTGGAAAAATGTGAAAGTAAACTTT[G>T]ATAACGTAGGACTTGGATATCTGTCTCTACTTCAAGTAGTAAGTAATCACTTTATTATTT-3'
Protein context (NP_001035232.1, residues 1396-1416): ARWKNVKVNF[Asp1406Tyr]NVGLGYLSLL

ClinVar aggregate classification (germline): Likely pathogenic (1 of 4 stars; one submission).

Conditions:
Seizures, benign familial infantile, 3 (BFIS3). Also called: Familial neonatal seizures; CONVULSIONS, BENIGN FAMILIAL INFANTILE, 3. Identifiers: Orphanet 140927, Orphanet 306, MedGen C1843140, MONDO:0011904, OMIM 607745.

Submission:

Juno Genomics, Hangzhou Juno Genomics, Inc
Classification: Likely pathogenic for Seizures, benign familial infantile, 3. Review status: criteria provided, single submitter. Criteria: ACMG Guidelines, 2015. Collection method: clinical testing. Allele origin: germline. Affected: yes.
Comment: Absent from controls (or at extremely low frequency if recessive) in Genome Aggregation Database, Exome Sequencing Project, 1000 Genomes Project, or Exome Aggregation Consortium.;Multiple lines of computational evidence support a deleterious effect on the gene or gene product (conservation, evolutionary, splicing impact, etc).;De novo (both maternity and paternity confirmed) in a patient with the disease and no family history.;Missense variant in a gene that has a low rate of benign missense variation and where missense variants are a common mechanism of disease.